The following is an entry in ClinVar:

ClinVar aggregate classification (germline): VUS-high (1 of 4 stars; one submission).

Conditions:
Alpha-methylacyl-CoA racemase deficiency (AMACRD). Also called: AMACR deficiency. Identifiers: Orphanet 79095, MedGen C3280428, MONDO:0013681, OMIM 614307. Disease mechanism: loss of function.

Submission:

Neonatal Intensive Care Unit, Shangrao Critical Neonatal Care and Rescue Center, Shangrao Maternal and Child Health Hospital
Classification: VUS-high for Alpha-methylacyl-CoA racemase deficiency. Last evaluated: 2026-05-04. Review status: criteria provided, single submitter. Criteria: ACMG Guidelines, 2015. Collection method: clinical testing. Allele origin: de novo. Inheritance: Autosomal recessive inheritance. Affected: yes. Observed: 1 variant allele, 1 homozygote.
Comment: This variant is a homozygous frameshift truncating mutation in AMACR (NM_014324.6): c.1013del (p.Pro338LeufsTer9), leading to loss of the C-terminal 36 amino acids and global protein structural collapse. Molecular effect: Premature termination abolishes the PTS1 peroxisomal localization signal and causes complete loss of protein function. AlphaFold3 modeling, molecular dynamics simulation, and free-energy analysis show severe destabilization (mean ΔΔG = −24.07 kcal/mol, Cα RMSD = 36.87 Å). Population frequency: Absent from gnomAD, ClinVar, and HGMD (PM2). Segregation: Autosomal recessive inheritance; biallelic loss-of-function (PM3). ACMG criteria: PVS1, PM2, PM3, PP3, PP4 Classification: Pathogenic for AMACR deficiency (OMIM 614307).

NM_014324.6(AMACR):c.1013del (p.Pro338fs)

Genes: AMACR (alpha-methylacyl-CoA racemase; minus strand), C1QTNF3-AMACR (C1QTNF3-AMACR readthrough (NMD candidate); minus strand). Cytogenetic location: 5p13.2.
Variant type: Deletion.
Coding change: c.1013del on transcript NM_014324.6 (MANE Select); coding-DNA position 1013, one base deleted (C; older notation c.1013delC).
Protein change: p.Pro338fs; shifts the reading frame from proline 338.
Molecular consequence: frameshift variant. On other transcripts: non-coding transcript variant (1), 3 prime UTR variant (1).
Genome position (GRCh38, 1-based): chr5:33,989,229, G deleted on the plus strand (C on the coding strand, the reverse complement: AMACR is on the minus strand); the first of 3 consecutive G bases (chr5:33,989,229-33,989,231); deleting any one gives the same sequence. VCF-style (leftmost placement, unchanged base first): chr5-33989228-AG-A. GRCh37 (hg19) VCF-style: chr5-33989333-AG-A.
Other names: c.1013del, p.Pro338fs (NM_001167595.2); c.*255del (NM_203382.3); short protein forms P338fs.
Identifiers: ClinVar variation 4850496 (VCV004850496.1).